The following is an entry in ClinVar:

ClinVar aggregate classification (germline): Conflicting classifications of pathogenicity. Review status: criteria provided, conflicting classifications (1 of 4 stars). 4 submissions from 4 submitters: Likely pathogenic (1); Uncertain significance (3). Last evaluated 2025-10-21.

Conditions:
Cardiovascular phenotype. Identifiers: MedGen CN230736.
Duchenne muscular dystrophy (DMD). Also called: Duchenne Muscular Dystrophy (DMD); MUSCULAR DYSTROPHY, PSEUDOHYPERTROPHIC PROGRESSIVE, DUCHENNE TYPE. Identifiers: Orphanet 98896, MedGen C0013264, MONDO:0010679, OMIM 310200.

Submissions (4):

Ambry Genetics
Classification: Likely pathogenic for Cardiovascular phenotype. Last evaluated: 2025-10-21. Review status: criteria provided, single submitter. Criteria: Ambry Variant Classification Scheme 2023. Collection method: clinical testing. Allele origin: germline.
Comment: The p.A27P variant (also known as c.79G>C), located in coding exon 2 of the DMD gene, results from a G to C substitution at nucleotide position 79. The alanine at codon 27 is replaced by proline, an amino acid with highly similar properties. This variant was reported in individual(s) with features consistent with DMD-related dystrophinopathy (Carlson CR et al. Muscle Nerve, 2018 Jan;[ePub ahead of print]; Tomar S et al. Am J Med Genet C Semin Med Genet, 2019 Jun;181:230-244; Nallamilli BRR et al. Hum Mutat, 2021 May;42:626-638; Ambry internal data). This variant is considered to be rare based on population cohorts in the Genome Aggregation Database (gnomAD). This amino acid position is well conserved in available vertebrate species. In addition, this alteration is predicted to be deleterious by in silico analysis. Based on the majority of available evidence to date, this variant is likely to be pathogenic.

Revvity Omics, Revvity
Classification: Uncertain significance. Last evaluated: 2022-11-30. Review status: criteria provided, single submitter. Criteria: ACMG Guidelines, 2015. Collection method: clinical testing. Allele origin: germline.

Labcorp Genetics (formerly Invitae), Labcorp
Classification: Uncertain significance for Duchenne muscular dystrophy. Last evaluated: 2020-12-20. Review status: criteria provided, single submitter. Criteria: Invitae Variant Classification Sherloc (09022015). Collection method: clinical testing. Allele origin: germline.
Comment: In summary, the available evidence is currently insufficient to determine the role of this variant in disease. Therefore, it has been classified as a Variant of Uncertain Significance. Algorithms developed to predict the effect of missense changes on protein structure and function are either unavailable or do not agree on the potential impact of this missense change (SIFT: "Deleterious"; PolyPhen-2: "Benign"; Align-GVGD: "Class C0"). This variant has been observed in individual(s) with clinical features of Duchenne muscular dystrophy (PMID: 29365344, 31081998, Invitae). ClinVar contains an entry for this variant (Variation ID: 285850). This variant is not present in population databases (ExAC no frequency). This sequence change replaces alanine with proline at codon 27 of the DMD protein (p.Ala27Pro). The alanine residue is highly conserved and there is a small physicochemical difference between alanine and proline.

Eurofins Ntd Llc (ga)
Classification: Uncertain significance. Last evaluated: 2016-01-21. Review status: criteria provided, single submitter. Criteria: EGL Classification Definitions 2015. Collection method: clinical testing. Allele origin: germline. Observed: 2 variant alleles, 1 heterozygote, 1 hemizygote.

Literature cited by the submitters: PubMed 29365344 (cited by Ambry Genetics and Labcorp Genetics (formerly Invitae), Labcorp); PubMed 31081998 (cited by Ambry Genetics and Labcorp Genetics (formerly Invitae), Labcorp); PubMed 33644936 (cited by Ambry Genetics).

NM_004006.3(DMD):c.79G>C (p.Ala27Pro)

Gene: DMD (dystrophin; minus strand). Cytogenetic location: Xp21.1.
Variant type: single nucleotide variant.
Coding change: c.79G>C on transcript NM_004006.3 (MANE Select); coding-DNA position 79, G replaced by C.
Protein change: p.Ala27Pro; replaces alanine 27 with proline.
Molecular consequence: missense variant. On other transcripts: 5 prime UTR variant (1).
Genome position (GRCh38, 1-based): chrX:33,020,153, C>G on the plus strand (G>C on the coding strand, the complement: DMD is on the minus strand). VCF-style: chrX-33020153-C-G. GRCh37 (hg19) VCF-style: chrX-33038270-C-G.
Other names: c.79G>C (NM_004006.2); c.55G>C, p.Ala19Pro (NM_000109.4); c.67G>C, p.Ala23Pro (NM_004009.3); c.-291G>C (NM_004010.3); short protein forms A27P, A23P, A19P.
Identifiers: ClinVar variation 285850 (VCV000285850.16), dbSNP rs886043234, ClinGen allele CA10605273.